The following is an entry in ClinVar:

NM_002230.4(JUP):c.2167_2172del (p.Asp723_Tyr724del)

Gene: JUP (junction plakoglobin; minus strand). Cytogenetic location: 17q21.2.
Variant type: Deletion.
Coding change: c.2167_2172del on transcript NM_002230.4 (MANE Select); coding-DNA positions 2167 to 2172, 6 bases deleted (GACTAC; older notation c.2167_2172delGACTAC).
Protein change: p.Asp723_Tyr724del.
Molecular consequence: inframe deletion.
Genome position (GRCh38, 1-based): chr17:41,755,810-41,755,815, GTAGTC deleted on the plus strand (GACTAC on the coding strand, the reverse complement: JUP is on the minus strand). VCF-style (leftmost placement, unchanged base first): chr17-41755809-GGTAGTC-G. GRCh37 (hg19) VCF-style: chr17-39912061-GGTAGTC-G.
Other names: c.2167_2172del, p.Asp723_Tyr724del (NM_001352773.2, NM_001352774.2, NM_001352775.2 and 3 more transcripts); c.2167_2172del (NM_002230.2).
Identifiers: ClinVar variation 323162 (VCV000323162.16), dbSNP rs782439900, ClinGen allele CA8564993.

ClinVar aggregate classification (germline): Conflicting classifications of pathogenicity. Review status: criteria provided, conflicting classifications (1 of 4 stars). 5 submissions from 5 submitters: Uncertain significance (4); Likely benign (1). Last evaluated 2025-01-06.

Conditions:
Cardiovascular phenotype. Identifiers: MedGen CN230736.
Cardiomyopathy (CMYO). Also called: Cardiomyopathies. Identifiers: Orphanet 167848, MedGen C0878544, MONDO:0004994, HP:0001638. Inheritance: Various modes of inheritance.
Naxos disease (NXD). Also called: KERATOSIS PALMOPLANTARIS WITH ARRHYTHMOGENIC CARDIOMYOPATHY; MAL DE NAXOS; PALMOPLANTAR KERATODERMA WITH ARRHYTHMOGENIC RIGHT VENTRICULAR CARDIOMYOPATHY AND WOOLLY HAIR; WOOLLY HAIR, PALMOPLANTAR KERATODERMA, AND CARDIAC ABNORMALITIES; CARDIOMYOPATHY, ARRHYTHMOGENIC RIGHT VENTRICULAR, WITH SKIN, HAIR, AND NAIL ABNORMALITIES. Identifiers: Orphanet 34217, MedGen C1832600, MONDO:0011017, OMIM 601214.
Arrhythmogenic right ventricular dysplasia 12. Also called: ARRHYTHMOGENIC RIGHT VENTRICULAR DYSPLASIA, FAMILIAL, 12. Identifiers: MedGen C1969081, MONDO:0012684, OMIM 611528.

Allele frequency attached by ClinVar (database versions not stated): ExAC 0.00003; gnomAD exomes 0.00003 and 0.00007; gnomAD 0.00005 and 0.00006; TOPMed 0.00005; ESP Exome Variant Server 0.00016.

Submissions (5):

Labcorp Genetics (formerly Invitae), Labcorp
Classification: Uncertain significance for Arrhythmogenic right ventricular dysplasia 12; Naxos disease. Last evaluated: 2025-01-06. Review status: criteria provided, single submitter. Criteria: Invitae Variant Classification Sherloc (09022015). Collection method: clinical testing. Allele origin: germline.
Comment: This variant, c.2167_2172del, results in the deletion of 2 amino acid(s) of the JUP protein (p.Asp723_Tyr724del), but otherwise preserves the integrity of the reading frame. This variant is present in population databases (rs782439900, gnomAD 0.01%). This variant has not been reported in the literature in individuals affected with JUP-related conditions. ClinVar contains an entry for this variant (Variation ID: 323162). In summary, the available evidence is currently insufficient to determine the role of this variant in disease. Therefore, it has been classified as a Variant of Uncertain Significance.

Clinical Genomics Laboratory, Washington University in St. Louis
Classification: Uncertain significance for Arrhythmogenic right ventricular dysplasia 12; Naxos disease. Last evaluated: 2024-12-22. Review status: criteria provided, single submitter. Criteria: ACMG Guidelines, 2015. Collection method: clinical testing. Allele origin: germline.
Comment: The JUP c.2167_2172del (p.Asp723_Tyr724del) variant, to our knowledge, has not been reported in the medical literature. The highest population minor allele frequency in the population database genome aggregation database (v.2.1.1) is 0.01% in the African population. Computational predictors suggest that the variant does not impact JUP function. This variant has been reported in the ClinVar database as a germline variant of uncertain significance by four submitters and likely benign by one submitter. Due to limited information, and based on ACMG/AMP guidelines for variant interpretation (Richards S et al., PMID: 25741868), the clinical significance of this variant is uncertain at this time.

CHEO Genetics Diagnostic Laboratory, Children's Hospital of Eastern Ontario
Classification: Uncertain significance for Cardiomyopathy. Last evaluated: 2022-05-19. Review status: criteria provided, single submitter. Criteria: ACMG Guidelines, 2015. Collection method: clinical testing. Allele origin: germline.

Ambry Genetics
Classification: Likely benign for Cardiovascular phenotype. Last evaluated: 2021-07-06. Review status: criteria provided, single submitter. Criteria: Ambry Variant Classification Scheme 2023. Collection method: clinical testing. Allele origin: germline.

GeneDx
Classification: Uncertain significance. Last evaluated: 2018-04-04. Review status: criteria provided, single submitter. Criteria: GeneDx Variant Classification (06012015). Collection method: clinical testing. Allele origin: germline. Affected: yes.
Comment: A variant of uncertain significance has been identified in the JUP gene. The c.2167_2172delGACTAC variant has not been published as pathogenic or been reported as benign to our knowledge. This variant is observed at a global allele frequency of 10/275930 (0.004%) alleles in large population cohorts, including 3/23970 (0.013%) alleles from individuals of African ancestry (Lek et al., 2016). The c.2167_2172delGACTAC variant is predicted to result in the in-frame deletion of two amino acids, denoted p.Asp723_Tyr724del. However, in-silico analyses, including protein predictors and evolutionary conservation, support that this variant does not alter protein structure/function.